The following is an entry in ClinVar:

NM_002775.5(HTRA1):c.842_847dup (p.Ile282_Gly283insAlaIle)

Gene: HTRA1 (HtrA serine peptidase 1; plus strand). Cytogenetic location: 10q26.13.
Variant type: Duplication.
Coding change: c.842_847dup on transcript NM_002775.5 (MANE Select); coding-DNA positions 842 to 847, 6 bases duplicated (CCATCG; older notation c.842_847dupCCATCG).
Protein change: p.Ile282_Gly283insAlaIle.
Molecular consequence: inframe insertion.
Genome position (GRCh38, 1-based): chr10:122,506,755-122,506,760, CCATCG duplicated; duplicating any 6 consecutive bases within chr10:122,506,752-122,506,760 gives the same sequence; the c. name uses the placement nearest the transcript's 3' end. VCF-style (leftmost placement, unchanged base first): chr10-122506751-G-GTCGCCA. GRCh37 (hg19) VCF-style: chr10-124266267-G-GTCGCCA.
Identifiers: ClinVar variation 2767785 (VCV002767785.3), dbSNP rs2497648281, ClinGen allele CA2697558800.

ClinVar aggregate classification (germline): Uncertain significance (1 of 4 stars; one submission).

Submission:

Labcorp Genetics (formerly Invitae), Labcorp
Classification: Uncertain significance. Last evaluated: 2023-10-12. Review status: criteria provided, single submitter. Criteria: Invitae Variant Classification Sherloc (09022015). Collection method: clinical testing. Allele origin: germline.
Comment: This variant, c.842_847dup, results in the insertion of 2 amino acid(s) of the HTRA1 protein (p.Ala281_Ile282dup), but otherwise preserves the integrity of the reading frame. This variant is not present in population databases (gnomAD no frequency). This variant has not been reported in the literature in individuals affected with HTRA1-related conditions. In summary, the available evidence is currently insufficient to determine the role of this variant in disease. Therefore, it has been classified as a Variant of Uncertain Significance.